The following is an entry in ClinVar:

ClinVar aggregate classification (germline): Benign/Likely benign. Review status: criteria provided, multiple submitters, no conflicts (2 of 4 stars). 6 submissions from 6 submitters: Benign (1); Likely benign (5). Last evaluated 2025-12-30.

Conditions:
Lynch syndrome 5 (LYNCH5). Also called: Colorectal cancer, hereditary nonpolyposis, type 5; Hereditary non-polyposis colorectal cancer, type 5. Identifiers: Orphanet 144, MedGen C1833477, MONDO:0013710, OMIM 614350. Disease mechanism: loss of function.
Hereditary nonpolyposis colorectal neoplasms. Identifiers: MedGen C0009405, MeSH D003123.
Hereditary cancer-predisposing syndrome. Also called: Hereditary Cancer Syndrome; Neoplastic Syndromes, Hereditary; Tumor predisposition; Hereditary neoplastic syndrome. Identifiers: Orphanet 140162, MedGen C0027672, MeSH D009386, MONDO:0015356.
Lynch syndrome. Identifiers: Orphanet 144, MedGen C4552100, MONDO:0005835. Disease mechanism: loss of function.

Allele frequency attached by ClinVar (database versions not stated): gnomAD exomes below 0.00001; TOPMed below 0.00001.
gnomAD v4.1: 1 of 1,584,120 alleles (0.000063%); highest among the groups gnomAD compares: Non-Finnish European, 0.000086%; no homozygotes.

Submissions (6):

Labcorp Genetics (formerly Invitae), Labcorp
Classification: Likely benign for Hereditary nonpolyposis colorectal neoplasms. Last evaluated: 2025-12-30. Review status: criteria provided, single submitter. Criteria: Invitae Variant Classification Sherloc (09022015). Collection method: clinical testing. Allele origin: germline.

Myriad Genetics, Inc.
Classification: Benign for Lynch syndrome 5. Last evaluated: 2025-01-02. Review status: criteria provided, single submitter. Criteria: Myriad Autosomal Dominant, Autosomal Recessive and X-Linked Classification Criteria (2023). Collection method: clinical testing. Allele origin: unknown.
Comment: This variant is considered benign. This variant is a silent/synonymous amino acid change and it is not expected to impact splicing.

All of Us Research Program, National Institutes of Health
Classification: Likely benign for Lynch syndrome. Last evaluated: 2024-02-05. Review status: criteria provided, single submitter. Criteria: ACMG Guidelines, 2015. Collection method: clinical testing. Allele origin: germline. Inheritance: Autosomal dominant inheritance. Observed: 1 variant allele, 1 heterozygote.
Comment: This study involves interpretation of variants in research participants for the purpose of population health screening. Participant phenotype was not available at the time of variant classification. Additional details can be found in publication PMID: 35346344, PMCID: PMC8962531

Ambry Genetics
Classification: Likely benign for Hereditary cancer-predisposing syndrome. Last evaluated: 2020-07-01. Review status: criteria provided, single submitter. Criteria: Ambry Variant Classification Scheme 2023. Collection method: clinical testing. Allele origin: germline.

Color Diagnostics, LLC DBA Color Health
Classification: Likely benign for Hereditary cancer-predisposing syndrome. Last evaluated: 2018-06-19. Review status: criteria provided, single submitter. Criteria: ACMG Guidelines, 2015. Collection method: clinical testing. Allele origin: germline.

GeneDx
Classification: Likely benign. Last evaluated: 2017-08-24. Review status: criteria provided, single submitter. Criteria: GeneDx Variant Classification (06012015). Collection method: clinical testing. Allele origin: germline. Affected: yes.
Comment: This variant is considered likely benign or benign based on one or more of the following criteria: it is a conservative change, it occurs at a poorly conserved position in the protein, it is predicted to be benign by multiple in silico algorithms, and/or has population frequency not consistent with disease.

NM_000179.3(MSH6):c.3048T>C (p.Ala1016=)

Gene: MSH6 (mutS homolog 6; plus strand). Cytogenetic location: 2p16.3.
Variant type: single nucleotide variant.
Coding change: c.3048T>C on transcript NM_000179.3 (MANE Select); coding-DNA position 3048, T replaced by C.
Protein change: p.Ala1016=; no amino-acid change (alanine 1016 retained).
Molecular consequence: synonymous variant.
Genome position (GRCh38, 1-based): chr2:47,801,031, T>C. VCF-style: chr2-47801031-T-C. GRCh37 (hg19) VCF-style: chr2-48028170-T-C.
Other names: c.2658T>C, p.Ala886= (NM_001281492.2); c.2142T>C, p.Ala714= (NM_001281493.2, NM_001281494.2).
Identifiers: ClinVar variation 511750 (VCV000511750.18), dbSNP rs1553414427, ClinGen allele CA426121755.
Genomic context (GRCh38, chr2:47,801,031, plus strand): 5'-GAAATCTACCAAGAAGGGCTGTAAACGATACTGGACCAAAACTATTGAAAAGAAGTTGGC[T>C]AATCTCATAAATGCTGAAGAACGGAGGGATGTATCATTGAAGGACTGCATGCGGCGACTG-3'
Protein context (NP_000170.1, residues 1006-1026): YWTKTIEKKL[Ala1016=]NLINAEERRD